The following is an entry in ClinVar:

NM_003482.4(KMT2D):c.8214C>T (p.Pro2738=)

Gene: KMT2D (lysine methyltransferase 2D; minus strand). Cytogenetic location: 12q13.12.
Variant type: single nucleotide variant.
Coding change: c.8214C>T on transcript NM_003482.4 (MANE Select); coding-DNA position 8214, C replaced by T.
Protein change: p.Pro2738=; no amino-acid change (proline 2738 retained).
Molecular consequence: synonymous variant.
Genome position (GRCh38, 1-based): chr12:49,039,450, G>A on the plus strand (C>T on the coding strand, the complement: KMT2D is on the minus strand). VCF-style: chr12-49039450-G-A. GRCh37 (hg19) VCF-style: chr12-49433233-G-A.
Identifiers: ClinVar variation 4823397 (VCV004823397.4).

ClinVar aggregate classification (germline): Likely benign (1 of 4 stars; one submission).

Submission:

CeGaT Center for Human Genetics Tuebingen
Classification: Likely benign. Last evaluated: 2026-02-01. Review status: criteria provided, single submitter. Criteria: CeGaT Center For Human Genetics Tuebingen Variant Classification Criteria Version 2. Collection method: clinical testing. Allele origin: germline. Affected: yes. Observed: 1 variant allele.
Comment: KMT2D: BP4, BP7